The following is an entry in ClinVar:

NM_001440.4(EXTL3):c.2661C>T (p.Tyr887=)

Gene: EXTL3 (exostosin like glycosyltransferase 3; plus strand). Cytogenetic location: 8p21.1.
Variant type: single nucleotide variant.
Coding change: c.2661C>T on transcript NM_001440.4 (MANE Select); coding-DNA position 2661, C replaced by T.
Protein change: p.Tyr887=; no amino-acid change (tyrosine 887 retained).
Molecular consequence: synonymous variant. On other transcripts: non-coding transcript variant (1).
Genome position (GRCh38, 1-based): chr8:28,750,767, C>T. VCF-style: chr8-28750767-C-T. GRCh37 (hg19) VCF-style: chr8-28608284-C-T.
Identifiers: ClinVar variation 1553299 (VCV001553299.31), dbSNP rs143878878, ClinGen allele CA4696488.

ClinVar aggregate classification (germline): Likely benign. Review status: criteria provided, multiple submitters, no conflicts (2 of 4 stars). 2 submissions from 2 submitters: Likely benign (2). Last evaluated 2025-11-28.

Allele frequency attached by ClinVar (database versions not stated): gnomAD 0.00007 and 0.00009; TOPMed 0.00007; gnomAD exomes 0.00009 and 0.00010; ExAC 0.00011; ESP Exome Variant Server 0.00015.
gnomAD v4.1: 134 of 1,614,078 alleles (0.0083%); highest among the groups gnomAD compares: South Asian, 0.019%; 1 homozygote.

Submissions (2):

Labcorp Genetics (formerly Invitae), Labcorp
Classification: Likely benign. Last evaluated: 2025-11-28. Review status: criteria provided, single submitter. Criteria: Invitae Variant Classification Sherloc (09022015). Collection method: clinical testing. Allele origin: germline.

CeGaT Center for Human Genetics Tuebingen
Classification: Likely benign. Last evaluated: 2023-10-01. Review status: criteria provided, single submitter. Criteria: CeGaT Center For Human Genetics Tuebingen Variant Classification Criteria Version 2. Collection method: clinical testing. Allele origin: germline. Affected: yes. Observed: 1 variant allele.
Comment: EXTL3: BP4, BP7